The following is an entry in ClinVar:

ClinVar aggregate classification (oncogenicity): Likely oncogenic (1 of 4 stars; one submission).

Conditions:
Acute myeloid leukemia (AML). Also called: Acute myeloid leukemia, adult; AML adult; Acute non-lymphocytic leukemia; Acute granulocytic leukemia; Leukemia, acute myeloid, somatic; Leukemia, acute myelogenous, somatic. Identifiers: Orphanet 519, MedGen C0023467, MeSH D015470, MONDO:0018874, OMIM 601626, HP:0004808. Disease mechanism: Constitutively activated FLT3.

Submission:

Center for Virology of Infectious and Tropical Diseases (CVMIT), Mohammed V Military Teaching Hospital
Classification: Likely oncogenic for Acute myeloid leukemia. Last evaluated: 2026-10-16. Review status: criteria provided, single submitter. Criteria: ClinGen/CGC/VICC Guidelines for Oncogenicity, 2022. Collection method: research. Allele origin: somatic. Affected: yes. Observed: 1 variant allele.
Comment: ASXL1 p.Leu762CysfsTer10. Oncogenicity classified with the ClinGen/CGC/VICC SOP (Horak et al. 2022, PMID:35101336). Criteria applied: OVS1: frameshift (p.Leu762CysfsTer10) truncating ASXL1 upstream of the PHD domain; this is the classic class of ASXL1 truncating variants in myeloid neoplasms (PMID:19388938, PMID:22031865), adverse risk in ELN 2022 (PMID:35797463). Location in the last exon (NMD escape) noted as per SOP caveat; truncated ASXL1 is the recognized pathogenic product. Total 8 points (Likely oncogenic). ClinVar at analysis (release 2022-07-09, used by Ion Reporter): not present. No current ClinVar record (consulted 2026-10-29).

Literature cited by the submitters: PubMed 19388938; PubMed 22031865; PubMed 35797463.

NM_015338.6(ASXL1):c.2283del (p.Leu762fs)

Gene: ASXL1 (ASXL transcriptional regulator 1; plus strand). Cytogenetic location: 20q11.21.
Variant type: Deletion.
Coding change: c.2283del on transcript NM_015338.6 (MANE Select); coding-DNA position 2283, one base deleted (C; older notation c.2283delC).
Protein change: p.Leu762fs; shifts the reading frame from leucine 762.
Molecular consequence: frameshift variant.
Genome position (GRCh38, 1-based): chr20:32,434,995, C deleted; the last of 2 consecutive C bases (chr20:32,434,994-32,434,995); deleting either gives the same sequence. VCF-style (leftmost placement, unchanged base first): chr20-32434993-GC-G. GRCh37 (hg19) VCF-style: chr20-31022796-GC-G.
Other names: c.2100del, p.Leu701fs (NM_001363734.1); short protein forms L701fs, L762fs.
Identifiers: ClinVar variation 5038029 (VCV005038029.1).